The following is an entry in ClinVar:

NM_015450.3(POT1):c.249dup (p.Leu84fs)

Gene: POT1 (protection of telomeres 1; minus strand). Cytogenetic location: 7q31.33.
Variant type: Duplication.
Coding change: c.249dup on transcript NM_015450.3 (MANE Select); coding-DNA position 249, one base duplicated (G; older notation c.249dupG).
Protein change: p.Leu84fs; shifts the reading frame from leucine 84.
Molecular consequence: frameshift variant. On other transcripts: non-coding transcript variant (3), intron variant (1).
Genome position (GRCh38, 1-based): chr7:124,870,917, C duplicated on the plus strand (G on the coding strand, the reverse complement: POT1 is on the minus strand); the first of 2 consecutive C bases (chr7:124,870,917-124,870,918); duplicating either gives the same sequence. VCF-style (leftmost placement, unchanged base first): chr7-124870916-G-GC. GRCh37 (hg19) VCF-style: chr7-124510970-G-GC.
Other names: c.-138-7277dup (NM_001042594.2); short protein forms L84fs.
Identifiers: ClinVar variation 4862390 (VCV004862390.1).
Genomic context (GRCh38, chr7:124,870,916, plus strand): 5'-AACAATACAGAGTTCTCTTCAAATAAATATAAGTTCTAGACAATATGAATTATACCTTCA[G>GC]CCTGTGAAAGCGAACAATATCTCCATTTTTATAAATTATTGGAAGGGCTTCATAGTTTCC-3'

ClinVar aggregate classification (germline): Pathogenic (1 of 4 stars; one submission).

Conditions:
Hereditary cancer-predisposing syndrome. Also called: Neoplastic Syndromes, Hereditary; Tumor predisposition; Hereditary Cancer Syndrome; Hereditary neoplastic syndrome. Identifiers: Orphanet 140162, MedGen C0027672, MeSH D009386, MONDO:0015356.

Submission:

Ambry Genetics
Classification: Pathogenic for Hereditary cancer-predisposing syndrome. Last evaluated: 2026-04-13. Review status: criteria provided, single submitter. Criteria: Ambry Variant Classification Scheme 2023. Collection method: clinical testing. Allele origin: germline.
Comment: The c.249dupG pathogenic mutation, located in coding exon 3 of the POT1 gene, results from a duplication of G at nucleotide position 249, causing a translational frameshift with a predicted alternate stop codon (p.L84Afs*7). This variant is considered to be rare based on population cohorts in the Genome Aggregation Database (gnomAD). This variant is expected to result in loss of function by premature protein truncation or nonsense-mediated mRNA decay. As such, this variant is interpreted as a disease-causing mutation.